The following is an entry in ClinVar:

NM_000368.5(TSC1):c.236A>G (p.Tyr79Cys)

Gene: TSC1 (TSC complex subunit 1; minus strand). Cytogenetic location: 9q34.13.
Variant type: single nucleotide variant.
Coding change: c.236A>G on transcript NM_000368.5 (MANE Select); coding-DNA position 236, A replaced by G.
Protein change: p.Tyr79Cys; replaces tyrosine 79 with cysteine.
Molecular consequence: missense variant. On other transcripts: 5 prime UTR variant (1), intron variant (1).
Genome position (GRCh38, 1-based): chr9:132,925,714, T>C on the plus strand (A>G on the coding strand, the complement: TSC1 is on the minus strand). VCF-style: chr9-132925714-T-C. GRCh37 (hg19) VCF-style: chr9-135801101-T-C.
Other names: c.236A>G, p.Tyr79Cys (NM_001162426.2); c.-128A>G (NM_001362177.2); c.210+1487A>G (NM_001162427.2); short protein forms Y79C.
Identifiers: ClinVar variation 466075 (VCV000466075.13), dbSNP rs373855276, ClinGen allele CA200902187.

ClinVar aggregate classification (germline): Conflicting classifications of pathogenicity. Review status: criteria provided, conflicting classifications (1 of 4 stars). 2 submissions from 2 submitters: Uncertain significance (1); Likely benign (1). Last evaluated 2025-03-07.

Conditions:
Tuberous sclerosis 1 (TSC1). Identifiers: Orphanet 805, MedGen C1854465, MONDO:0008612, OMIM 191100.
Hereditary cancer-predisposing syndrome. Also called: Hereditary neoplastic syndrome; Neoplastic Syndromes, Hereditary; Tumor predisposition; Hereditary Cancer Syndrome. Identifiers: Orphanet 140162, MedGen C0027672, MeSH D009386, MONDO:0015356.

Allele frequency attached by ClinVar (database versions not stated): gnomAD exomes below 0.00001; ESP Exome Variant Server 0.00008.
gnomAD v4.1: 1 of 1,614,210 alleles (0.000062%); highest among the groups gnomAD compares: Admixed American, 0.0017%; no homozygotes.

Submissions (2):

Ambry Genetics
Classification: Likely benign for Hereditary cancer-predisposing syndrome. Last evaluated: 2025-03-07. Review status: criteria provided, single submitter. Criteria: Ambry Variant Classification Scheme 2023. Collection method: clinical testing. Allele origin: germline.

Labcorp Genetics (formerly Invitae), Labcorp
Classification: Uncertain significance for Tuberous sclerosis 1. Last evaluated: 2023-05-10. Review status: criteria provided, single submitter. Criteria: Invitae Variant Classification Sherloc (09022015). Collection method: clinical testing. Allele origin: germline.
Comment: In summary, the available evidence is currently insufficient to determine the role of this variant in disease. Therefore, it has been classified as a Variant of Uncertain Significance. Advanced modeling of protein sequence and biophysical properties (such as structural, functional, and spatial information, amino acid conservation, physicochemical variation, residue mobility, and thermodynamic stability) performed at Invitae indicates that this missense variant is not expected to disrupt TSC1 protein function. ClinVar contains an entry for this variant (Variation ID: 466075). This variant has not been reported in the literature in individuals affected with TSC1-related conditions. This variant is not present in population databases (gnomAD no frequency). This sequence change replaces tyrosine, which is neutral and polar, with cysteine, which is neutral and slightly polar, at codon 79 of the TSC1 protein (p.Tyr79Cys).